The following is an entry in ClinVar:

ClinVar aggregate classification (germline): Uncertain significance (1 of 4 stars; one submission).

Conditions:
Neurofibromatosis, type 1 (NF1). Also called: Peripheral type neurofibromatosis; VON RECKLINGHAUSEN DISEASE; Neurofibromatosis, type I; NEUROFIBROMATOSIS, TYPE I, SOMATIC. Identifiers: Orphanet 636, MedGen C0027831, MONDO:0018975, OMIM 162200. Disease mechanism: loss of function.

Submission:

Labcorp Genetics (formerly Invitae), Labcorp
Classification: Uncertain significance for Neurofibromatosis, type 1. Last evaluated: 2023-11-27. Review status: criteria provided, single submitter. Criteria: Invitae Variant Classification Sherloc (09022015). Collection method: clinical testing. Allele origin: germline.
Comment: This sequence change replaces leucine, which is neutral and non-polar, with phenylalanine, which is neutral and non-polar, at codon 2228 of the NF1 protein (p.Leu2228Phe). This variant is not present in population databases (gnomAD no frequency). This variant has not been reported in the literature in individuals affected with NF1-related conditions. Advanced modeling of protein sequence and biophysical properties (such as structural, functional, and spatial information, amino acid conservation, physicochemical variation, residue mobility, and thermodynamic stability) has been performed at Invitae for this missense variant, however the output from this modeling did not meet the statistical confidence thresholds required to predict the impact of this variant on NF1 protein function. In summary, the available evidence is currently insufficient to determine the role of this variant in disease. Therefore, it has been classified as a Variant of Uncertain Significance.

NM_001042492.3(NF1):c.6745C>T (p.Leu2249Phe)

Gene: NF1 (neurofibromin 1; plus strand). Cytogenetic location: 17q11.2.
Variant type: single nucleotide variant.
Coding change: c.6745C>T on transcript NM_001042492.3 (MANE Select); coding-DNA position 6745, C replaced by T.
Protein change: p.Leu2249Phe; replaces leucine 2249 with phenylalanine.
Molecular consequence: missense variant.
Genome position (GRCh38, 1-based): chr17:31,338,065, C>T. VCF-style: chr17-31338065-C-T. GRCh37 (hg19) VCF-style: chr17-29665083-C-T.
Other names: c.6682C>T, p.Leu2228Phe (NM_000267.4); short protein forms L2228F, L2249F.
Identifiers: ClinVar variation 2699150 (VCV002699150.3), dbSNP rs2151558155, ClinGen allele CA399014068.